The following is an entry in ClinVar:

NM_017739.4(POMGNT1):c.-68G>A

Gene: POMGNT1 (protein O-linked mannose N-acetylglucosaminyltransferase 1 (beta 1,2-); minus strand). Cytogenetic location: 1p34.1.
Variant type: single nucleotide variant.
Coding change: c.-68G>A on transcript NM_017739.4 (MANE Select); 68 bases upstream of the start codon, G replaced by A.
Molecular consequence: 5 prime UTR variant. On other transcripts: intron variant (1).
Genome position (GRCh38, 1-based): chr1:46,198,353, C>T on the plus strand (G>A on the coding strand, the complement: POMGNT1 is on the minus strand). VCF-style: chr1-46198353-C-T. GRCh37 (hg19) VCF-style: chr1-46664025-C-T.
Other names: c.-50-482G>A (NM_001243766.2).
Identifiers: ClinVar variation 513199 (VCV000513199.1), dbSNP rs751564626, ClinGen allele CA21918918.
Genomic context (GRCh38, chr1:46,198,353, plus strand): 5'-CGGCAGCGCTACCCGTTCCGGACACCCACGCGGAGGCACTCACGGCTTAGGGGCCCCGGG[C>T]CCCGCTCGGGCCCCGCTAGGGCCCTCACTGCTCGGCCCGGCTCGCCGCGGCCTCCGCCTC-3'

ClinVar aggregate classification (germline): Likely benign (1 of 4 stars; one submission).

Allele frequency attached by ClinVar (database versions not stated): gnomAD 0.00009 and 0.00003; TOPMed 0.00010.

Submission:

GeneDx
Classification: Likely benign. Last evaluated: 2017-11-09. Review status: criteria provided, single submitter. Criteria: GeneDx Variant Classification (06012015). Collection method: clinical testing. Allele origin: germline. Affected: yes.
Comment: This variant is considered likely benign or benign based on one or more of the following criteria: it is a conservative change, it occurs at a poorly conserved position in the protein, it is predicted to be benign by multiple in silico algorithms, and/or has population frequency not consistent with disease.